The following is an entry in ClinVar:

ClinVar aggregate classification (germline): Uncertain significance (1 of 4 stars; one submission).

gnomAD v4.1: 4 of 1,613,564 alleles (0.00025%); highest among the groups gnomAD compares: Non-Finnish European, 0.00034%; no homozygotes.

Submission:

Women's Health and Genetics/Laboratory Corporation of America, LabCorp
Classification: Uncertain significance. Last evaluated: 2026-05-27. Review status: criteria provided, single submitter. Criteria: LabCorp Variant Classification Summary - May 2015. Collection method: clinical testing. Allele origin: germline.
Comment: Variant summary: CDH23 c.4510A>G (p.Thr1504Ala) results in a non-conservative amino acid change in the encoded protein sequence. Algorithms developed to predict the effect of missense changes on protein structure and function are either unavailable or do not agree on the potential impact of this missense change. The variant was absent in 248956 control chromosomes. The available data on variant occurrences in the general population are insufficient to allow any conclusion about variant significance. To our knowledge, no occurrence of c.4510A>G in individuals affected with CDH23-related conditions and no experimental evidence demonstrating its impact on protein function have been reported. No submitters have cited clinical-significance assessments for this variant to ClinVar. Based on the evidence outlined above, the variant was classified as uncertain significance.

NM_022124.6(CDH23):c.4510A>G (p.Thr1504Ala)

Gene: CDH23 (cadherin related 23; plus strand). Cytogenetic location: 10q22.1.
Variant type: single nucleotide variant.
Coding change: c.4510A>G on transcript NM_022124.6 (MANE Select); coding-DNA position 4510, A replaced by G.
Protein change: p.Thr1504Ala; replaces threonine 1504 with alanine.
Molecular consequence: missense variant.
Genome position (GRCh38, 1-based): chr10:71,740,843, A>G. VCF-style: chr10-71740843-A-G. GRCh37 (hg19) VCF-style: chr10-73500600-A-G.
Other names: short protein forms T1504A.
Identifiers: ClinVar variation 4853433 (VCV004853433.1).